The following is an entry in ClinVar:

ClinVar aggregate classification (germline): Uncertain significance. Review status: criteria provided, single submitter (1 of 4 stars). 2 submissions from 2 submitters: Uncertain significance (1). 1 of the submissions does not count toward it. Last evaluated 2021-10-06.

Conditions:
Inborn genetic diseases. Identifiers: MedGen C0950123, MeSH D030342.

Allele frequency attached by ClinVar (database versions not stated): ExAC 0.00001; gnomAD 0.00002; gnomAD exomes 0.00002; TOPMed 0.00003.
gnomAD v4.1: 38 of 1,612,924 alleles (0.0024%); highest among the groups gnomAD compares: Non-Finnish European, 0.0031%; no homozygotes.

Submissions (2):

Ambry Genetics
Classification: Uncertain significance for Inborn genetic diseases. Last evaluated: 2021-10-06. Review status: criteria provided, single submitter. Criteria: Ambry Variant Classification Scheme 2023. Collection method: clinical testing. Allele origin: germline.

Genetic Services Laboratory, University of Chicago
Classification: Uncertain significance. Last evaluated: 2022-06-22. Review status: no assertion criteria provided. Collection method: clinical testing. Allele origin: germline. Affected: no. Not counted in ClinVar's aggregate classification.
Comment: DNA sequence analysis of the EFTUD1 gene demonstrated a sequence change, c.2959T>G, in exon 18 that results in an amino acid change, p.Cys987Gly. This sequence change does not appear to have been previously described in individuals with EFTUD1-related disorders. This sequence change has been described in the gnomAD database in one individual which corresponds to a population frequency of 0.0004% (dbSNP rs771914174). The p.Cys987Gly change affects a highly conserved amino acid residue located in a domain of the EFTUD1 protein that is known to be functional. In-silico pathogenicity prediction tools (SIFT, PolyPhen2, Align GVGD, REVEL) provide contradictory results for the p.Cys987Gly substitution. Due to insufficient evidences and the lack of functional studies, the clinical significance of the p.Cys987Gly change remains unknown at this time.

NM_024580.6(EFL1):c.2959T>G (p.Cys987Gly)

Gene: EFL1 (elongation factor like GTPase 1; minus strand). Cytogenetic location: 15q25.2.
Variant type: single nucleotide variant.
Coding change: c.2959T>G on transcript NM_024580.6 (MANE Select); coding-DNA position 2959, T replaced by G.
Protein change: p.Cys987Gly; replaces cysteine 987 with glycine.
Molecular consequence: missense variant. On other transcripts: non-coding transcript variant (1).
Genome position (GRCh38, 1-based): chr15:82,151,495, A>C on the plus strand (T>G on the coding strand, the complement: EFL1 is on the minus strand). VCF-style: chr15-82151495-A-C. GRCh37 (hg19) VCF-style: chr15-82443836-A-C.
Other names: c.2806T>G, p.Cys936Gly (NM_001040610.3); c.2170T>G, p.Cys724Gly (NM_001322844.2); c.2959T>G, p.Cys987Gly (NM_001322845.2); short protein forms C724G, C936G, C987G.
Identifiers: ClinVar variation 2373895 (VCV002373895.4), dbSNP rs771914174, ClinGen allele CA7697671.